The following is an entry in ClinVar:

NM_014845.6(FIG4):c.14C>T (p.Ala5Val)

Gene: FIG4 (FIG4 phosphoinositide 5-phosphatase; plus strand). Cytogenetic location: 6q21.
Variant type: single nucleotide variant.
Coding change: c.14C>T on transcript NM_014845.6 (MANE Select); coding-DNA position 14, C replaced by T.
Protein change: p.Ala5Val; replaces alanine 5 with valine.
Molecular consequence: missense variant.
Genome position (GRCh38, 1-based): chr6:109,691,449, C>T. VCF-style: chr6-109691449-C-T. GRCh37 (hg19) VCF-style: chr6-110012652-C-T.
Other names: p.Ala5Val; short protein forms A5V.
Identifiers: ClinVar variation 476851 (VCV000476851.11), dbSNP rs915749340, ClinGen allele CA145141181.

ClinVar aggregate classification (germline): Uncertain significance. Review status: criteria provided, multiple submitters, no conflicts (2 of 4 stars). 5 submissions from 5 submitters: Uncertain significance (5). Last evaluated 2026-05-26.

Conditions:
FIG4-related disorder. Also called: FIG4-related condition; FIG4-related disorders.
Inborn genetic diseases. Identifiers: MedGen C0950123, MeSH D030342.
Charcot-Marie-Tooth disease type 4. Also called: Charcot-Marie-Tooth disease, type IV; Charcot-Marie-Tooth, Type 4. Identifiers: Orphanet 64749, MedGen C4082197, MONDO:0018995.

Allele frequency attached by ClinVar (database versions not stated): gnomAD 0.00003 and 0.00001; TOPMed 0.00003; gnomAD exomes 0.00005 and 0.00001.
gnomAD v4.1: 72 of 1,583,328 alleles (0.0045%); highest among the groups gnomAD compares: Non-Finnish European, 0.0058%; no homozygotes.

Submissions (5):

PreventionGenetics, part of Exact Sciences
Classification: Uncertain significance for FIG4-related condition. Last evaluated: 2026-05-26. Review status: criteria provided, single submitter. Criteria: ACMG Guidelines, 2015. Collection method: clinical testing. Allele origin: germline.
Comment: The FIG4 c.14C>T variant is predicted to result in the amino acid substitution p.Ala5Val. To our knowledge, this variant has not been reported in the literature. This variant is reported in 0.0010% of alleles in individuals of European (Non-Finnish) descent in gnomAD. At this time, the clinical significance of this variant is uncertain due to the absence of conclusive functional and genetic evidence.

Mayo Clinic Laboratories, Mayo Clinic
Classification: Uncertain significance. Last evaluated: 2023-10-24. Review status: criteria provided, single submitter. Criteria: ACMG Guidelines, 2015. Collection method: clinical testing. Allele origin: germline. Observed: 1 variant allele.
Comment: BP4

Labcorp Genetics (formerly Invitae), Labcorp
Classification: Uncertain significance for Charcot-Marie-Tooth disease type 4. Last evaluated: 2022-11-01. Review status: criteria provided, single submitter. Criteria: Invitae Variant Classification Sherloc (09022015). Collection method: clinical testing. Allele origin: germline.
Comment: This sequence change replaces alanine, which is neutral and non-polar, with valine, which is neutral and non-polar, at codon 5 of the FIG4 protein (p.Ala5Val). The frequency data for this variant in the population databases is considered unreliable, as metrics indicate poor data quality at this position in the gnomAD database. This variant has not been reported in the literature in individuals affected with FIG4-related conditions. ClinVar contains an entry for this variant (Variation ID: 476851). Algorithms developed to predict the effect of missense changes on protein structure and function (SIFT, PolyPhen-2, Align-GVGD) all suggest that this variant is likely to be tolerated. In summary, the available evidence is currently insufficient to determine the role of this variant in disease. Therefore, it has been classified as a Variant of Uncertain Significance.

Athena Diagnostics
Classification: Uncertain significance. Last evaluated: 2022-03-29. Review status: criteria provided, single submitter. Criteria: Athena Diagnostics Criteria. Collection method: clinical testing. Allele origin: unknown.

Ambry Genetics
Classification: Uncertain significance for Inborn genetic diseases. Last evaluated: 2021-02-23. Review status: criteria provided, single submitter. Criteria: Ambry Variant Classification Scheme 2023. Collection method: clinical testing. Allele origin: germline.
Comment: The p.A5V variant (also known as c.14C>T), located in coding exon 1 of the FIG4 gene, results from a C to T substitution at nucleotide position 14. The alanine at codon 5 is replaced by valine, an amino acid with similar properties. This amino acid position is highly conserved in available vertebrate species. In addition, this alteration is predicted to be tolerated by in silico analysis. Since supporting evidence is limited at this time, the clinical significance of this alteration remains unclear.